The following is an entry in ClinVar:

ClinVar aggregate classification (germline): Uncertain significance (1 of 4 stars; one submission).

Submission:

Labcorp Genetics (formerly Invitae), Labcorp
Classification: Uncertain significance. Last evaluated: 2025-01-30. Review status: criteria provided, single submitter. Criteria: Invitae Variant Classification Sherloc (09022015). Collection method: clinical testing. Allele origin: germline.
Comment: This sequence change replaces aspartic acid, which is acidic and polar, with glutamic acid, which is acidic and polar, at codon 2061 of the CACNA1B protein (p.Asp2061Glu). This variant is not present in population databases (gnomAD no frequency). This variant has not been reported in the literature in individuals affected with CACNA1B-related conditions. Invitae Evidence Modeling of protein sequence and biophysical properties (such as structural, functional, and spatial information, amino acid conservation, physicochemical variation, residue mobility, and thermodynamic stability) indicates that this missense variant is not expected to disrupt CACNA1B protein function with a negative predictive value of 80%. In summary, the available evidence is currently insufficient to determine the role of this variant in disease. Therefore, it has been classified as a Variant of Uncertain Significance.

NM_000718.4(CACNA1B):c.6183C>G (p.Asp2061Glu)

Gene: CACNA1B (calcium voltage-gated channel subunit alpha1 B; plus strand). Cytogenetic location: 9q34.3.
Variant type: single nucleotide variant.
Coding change: c.6183C>G on transcript NM_000718.4 (MANE Select); coding-DNA position 6183, C replaced by G.
Protein change: p.Asp2061Glu; replaces aspartic acid 2061 with glutamic acid.
Molecular consequence: missense variant.
Genome position (GRCh38, 1-based): chr9:138,120,317, C>G. VCF-style: chr9-138120317-C-G. GRCh37 (hg19) VCF-style: chr9-141014769-C-G.
Other names: c.6183C>G, p.Asp2061Glu (NM_001243812.2); short protein forms D2061E.
Identifiers: ClinVar variation 3669221 (VCV003669221.2).